The following is an entry in ClinVar:

NM_001963.6(EGF):c.3343G>T (p.Ala1115Ser)

Gene: EGF (epidermal growth factor; plus strand). Cytogenetic location: 4q25.
Variant type: single nucleotide variant.
Coding change: c.3343G>T on transcript NM_001963.6 (MANE Select); coding-DNA position 3343, G replaced by T.
Protein change: p.Ala1115Ser; replaces alanine 1115 with serine.
Molecular consequence: missense variant. On other transcripts: intron variant (1).
Genome position (GRCh38, 1-based): chr4:110,008,203, G>T. VCF-style: chr4-110008203-G-T. GRCh37 (hg19) VCF-style: chr4-110929359-G-T.
Other names: c.3220G>T, p.Ala1074Ser (NM_001178130.3); c.3217G>T, p.Ala1073Ser (NM_001178131.3); c.2923-2999G>T (NM_001357021.2); short protein forms A1115S, A1073S, A1074S.
Identifiers: ClinVar variation 2126223 (VCV002126223.4), dbSNP rs749543304, ClinGen allele CA3044251.
Genomic context (GRCh38, chr4:110,008,203, plus strand): 5'-TGTCTGCAGTTTGTGGTTATAAAAGAACACCAAGACCTCAAGAATGGGGGTCAACCAGTG[G>T]CTGGTGAGGATGGCCAGGCAGCAGATGGTCAGTTTTTATCCCTGGCTCCTGGTGAATGGT-3'
Protein context (NP_001954.2, residues 1105-1125): QDLKNGGQPV[Ala1115Ser]GEDGQAADGS

ClinVar aggregate classification (germline): Uncertain significance (1 of 4 stars; one submission).

Allele frequency attached by ClinVar (database versions not stated): ExAC 0.00001; gnomAD exomes 0.00001.
gnomAD v4.1: 4 of 1,614,056 alleles (0.00025%); highest among the groups gnomAD compares: Admixed American, 0.0067%; no homozygotes.

Submission:

Labcorp Genetics (formerly Invitae), Labcorp
Classification: Uncertain significance. Last evaluated: 2025-01-06. Review status: criteria provided, single submitter. Criteria: Invitae Variant Classification Sherloc (09022015). Collection method: clinical testing. Allele origin: germline.
Comment: This sequence change replaces alanine, which is neutral and non-polar, with serine, which is neutral and polar, at codon 1115 of the EGF protein (p.Ala1115Ser). This variant is present in population databases (rs749543304, gnomAD 0.01%). This variant has not been reported in the literature in individuals affected with EGF-related conditions. ClinVar contains an entry for this variant (Variation ID: 2126223). An algorithm developed to predict the effect of missense changes on protein structure and function outputs the following: PolyPhen-2: "Benign". The serine amino acid residue is found in multiple mammalian species, which suggests that this missense change does not adversely affect protein function. In summary, the available evidence is currently insufficient to determine the role of this variant in disease. Therefore, it has been classified as a Variant of Uncertain Significance.